The following is an entry in ClinVar:

NM_002693.3(POLG):c.3701G>T (p.Arg1234Leu)

Genes: FANCI (FA complementation group I; plus strand), POLG (DNA polymerase gamma, catalytic subunit; minus strand). Cytogenetic location: 15q26.1.
Variant type: single nucleotide variant.
Coding change: c.3701G>T on transcript NM_002693.3 (MANE Select); coding-DNA position 3701, G replaced by T.
Protein change: p.Arg1234Leu; replaces arginine 1234 with leucine.
Molecular consequence: missense variant. On other transcripts: 3 prime UTR variant (4).
Genome position (GRCh38, 1-based): chr15:89,316,770, C>A on the plus strand (G>T on the coding strand, the complement: POLG is on the minus strand). VCF-style: chr15-89316770-C-A. GRCh37 (hg19) VCF-style: chr15-89860001-C-A.
Other names: c.*311C>A (NM_018193.3, NM_001113378.2, NM_001376910.1 and 1 more transcripts); c.3701G>T, p.Arg1234Leu (NM_001126131.2); short protein forms R1234L.
Identifiers: ClinVar variation 3636626 (VCV003636626.2).
Genomic context (GRCh38, chr15:89,316,770, plus strand): 5'-ATGAAGCTCCACGGGAGCAAATACAGAGCCTCCAGGCAGTGCTATGGTCCAGGCTGGCTT[C>A]GTTTTTCCAAGGAGCCTTTGGTGAGTTCAATTATCTGGTAAATATCCAGCGCTTCACCTG-3'
Protein context (NP_002684.1, residues 1224-1239): IELTKGSLEK[Arg1234Leu]SQPGP

ClinVar aggregate classification (germline): Uncertain significance (1 of 4 stars; one submission).

Conditions:
Progressive sclerosing poliodystrophy (MTDPS4A). Also called: ALPERS PROGRESSIVE INFANTILE POLIODYSTROPHY; NEURONAL DEGENERATION OF CHILDHOOD WITH LIVER DISEASE, PROGRESSIVE; Alpers Syndrome; ALPERS DIFFUSE DEGENERATION OF CEREBRAL GRAY MATTER WITH HEPATIC CIRRHOSIS; Alpers-Huttenlocher Syndrome; Mitochondrial DNA depletion syndrome 4A (Alpers type). Identifiers: Orphanet 726, MedGen C0205710, MONDO:0008758, OMIM 203700.

Submission:

Labcorp Genetics (formerly Invitae), Labcorp
Classification: Uncertain significance for Progressive sclerosing poliodystrophy. Last evaluated: 2024-03-02. Review status: criteria provided, single submitter. Criteria: Invitae Variant Classification Sherloc (09022015). Collection method: clinical testing. Allele origin: germline.
Comment: This sequence change replaces arginine, which is basic and polar, with leucine, which is neutral and non-polar, at codon 1234 of the POLG protein (p.Arg1234Leu). This variant is not present in population databases (gnomAD no frequency). This variant has not been reported in the literature in individuals affected with POLG-related conditions. Advanced modeling of protein sequence and biophysical properties (such as structural, functional, and spatial information, amino acid conservation, physicochemical variation, residue mobility, and thermodynamic stability) performed at Invitae indicates that this missense variant is not expected to disrupt POLG protein function with a negative predictive value of 95%. In summary, the available evidence is currently insufficient to determine the role of this variant in disease. Therefore, it has been classified as a Variant of Uncertain Significance.